The following is an entry in ClinVar:

NM_005276.4(GPD1):c.675G>A (p.Ala225=)

Gene: GPD1 (glycerol-3-phosphate dehydrogenase 1; plus strand). Cytogenetic location: 12q13.12.
Variant type: single nucleotide variant.
Coding change: c.675G>A on transcript NM_005276.4 (MANE Select); coding-DNA position 675, G replaced by A.
Protein change: p.Ala225=; no amino-acid change (alanine 225 retained).
Molecular consequence: synonymous variant.
Genome position (GRCh38, 1-based): chr12:50,107,629, G>A. VCF-style: chr12-50107629-G-A. GRCh37 (hg19) VCF-style: chr12-50501412-G-A.
Other names: c.606G>A, p.Ala202= (NM_001257199.2).
Identifiers: ClinVar variation 702730 (VCV000702730.32), dbSNP rs201027631, ClinGen allele CA6561729.

ClinVar aggregate classification (germline): Benign/Likely benign. Review status: criteria provided, multiple submitters, no conflicts (2 of 4 stars). 3 submissions from 3 submitters: Benign (1); Likely benign (1). 1 of the submissions does not count toward it. Last evaluated 2025-11-05.

Conditions:
GPD1-related disorder. Also called: GPD1-related condition.

Allele frequency attached by ClinVar (database versions not stated): gnomAD 0.00011; TOPMed 0.00013; gnomAD exomes 0.00020 and 0.00033; ExAC 0.00021; 1000 Genomes Project 0.00040; 1000 Genomes Project 30x 0.00062.
gnomAD v4.1: 310 of 1,614,130 alleles (0.019%); highest among the groups gnomAD compares: Admixed American, 0.11%; 1 homozygote.

Submissions (3):

Labcorp Genetics (formerly Invitae), Labcorp
Classification: Benign. Last evaluated: 2025-11-05. Review status: criteria provided, single submitter. Criteria: Invitae Variant Classification Sherloc (09022015). Collection method: clinical testing. Allele origin: germline.

CeGaT Center for Human Genetics Tuebingen
Classification: Likely benign. Last evaluated: 2023-12-01. Review status: criteria provided, single submitter. Criteria: CeGaT Center For Human Genetics Tuebingen Variant Classification Criteria Version 2. Collection method: clinical testing. Allele origin: germline. Affected: yes. Observed: 1 variant allele.
Comment: GPD1: BP4, BP7

PreventionGenetics, part of Exact Sciences
Classification: Likely benign for GPD1-related condition. Last evaluated: 2019-12-03. Review status: no assertion criteria provided. Collection method: clinical testing. Allele origin: germline. Not counted in ClinVar's aggregate classification.
Comment: This variant is classified as likely benign based on ACMG/AMP sequence variant interpretation guidelines (Richards et al. 2015 PMID: 25741868, with internal and published modifications).